The following is an entry in ClinVar:

ClinVar aggregate classification (germline): Likely benign (1 of 4 stars; one submission).

Conditions:
MELAS syndrome (MELAS). Also called: Juvenile myopathy, encephalopathy, lactic acidosis, stroke. Identifiers: Orphanet 550, MedGen C0162671, MONDO:0010789, OMIM 540000.

Submission:

Wong Mito Lab, Molecular and Human Genetics, Baylor College of Medicine
Classification: Likely benign for MELAS syndrome. Last evaluated: 2019-07-12. Review status: criteria provided, single submitter. Criteria: Modified ACMG Guidelines (Unpublished). Collection method: clinical testing. Allele origin: germline.
Comment: The NC_012920.1:m.15925C>T variant in MT-TT gene is interpreted to be a Likely Benign variant based on the modified ACMG guidelines (unpublished). This variant meets the following evidence codes reported in the guidelines: BS2, BP6

Literature cited by the submitters: PubMed 31965079.

NC_012920.1(MT-TT):m.15925C>T

Gene: MT-TT (mitochondrially encoded tRNA threonine; plus strand).
Variant type: single nucleotide variant.
Genome position: chrM-15925-C-T.
Identifiers: ClinVar variation 690237 (VCV000690237.1), dbSNP rs1603225595, ClinGen allele CA913175221.